The following is an entry in ClinVar:

ClinVar aggregate classification (germline): Benign/Likely benign. Review status: criteria provided, multiple submitters, no conflicts (2 of 4 stars). 10 submissions from 10 submitters: Benign (1); Likely benign (8). 1 of the submissions does not count toward it. Last evaluated 2026-01-26.

Conditions:
Hereditary cancer-predisposing syndrome. Also called: Hereditary neoplastic syndrome; Neoplastic Syndromes, Hereditary; Tumor predisposition; Hereditary Cancer Syndrome. Identifiers: Orphanet 140162, MedGen C0027672, MeSH D009386, MONDO:0015356.
Hereditary breast ovarian cancer syndrome. Also called: Hereditary breast and ovarian cancer syndrome (HBOC); Breast and ovarian cancer; Hereditary breast and/or ovarian cancer syndrome; BRCA1- and BRCA2-Associated Hereditary Breast and Ovarian Cancer; Hereditary breast and ovarian cancer syndrome; Hereditary breast and ovarian cancer. Identifiers: Orphanet 145, MedGen C0677776, MeSH D061325, MONDO:0003582. Disease mechanism: loss of function.
Breast-ovarian cancer, familial, susceptibility to, 4. Identifiers: Orphanet 145, MedGen C3280345, MONDO:0013669, OMIM 614291.
Malignant tumor of breast. Also called: Malignant breast neoplasm; Cancer breast. Identifiers: MedGen C0006142, MONDO:0007254. Disease mechanism: loss of function.

Allele frequency attached by ClinVar (database versions not stated): gnomAD exomes 0.00001; ExAC 0.00002; gnomAD 0.00006 and 0.00007; ESP Exome Variant Server 0.00008; TOPMed 0.00009; 1000 Genomes Project 30x 0.00031; 1000 Genomes Project 0.00040.
gnomAD v4.1: 24 of 1,613,810 alleles (0.0015%); highest among the groups gnomAD compares: Admixed American, 0.028%; no homozygotes.

Submissions (10):

Labcorp Genetics (formerly Invitae), Labcorp
Classification: Likely benign for Breast-ovarian cancer, familial, susceptibility to, 4. Last evaluated: 2026-01-26. Review status: criteria provided, single submitter. Criteria: Invitae Variant Classification Sherloc (09022015). Collection method: clinical testing. Allele origin: germline.

Myriad Genetics, Inc.
Classification: Benign for Breast-ovarian cancer, familial, susceptibility to, 4. Last evaluated: 2025-02-25. Review status: criteria provided, single submitter. Criteria: Myriad Autosomal Dominant, Autosomal Recessive and X-Linked Classification Criteria (2023). Collection method: clinical testing. Allele origin: unknown.
Comment: This variant is considered benign. This variant is a silent/synonymous amino acid change and it is not expected to impact splicing.

Institute for Biomarker Research, Medical Diagnostic Laboratories, L.L.C.
Classification: Likely benign for Hereditary breast ovarian cancer syndrome. Last evaluated: 2023-12-12. Review status: criteria provided, single submitter. Criteria: ACMG Guidelines, 2015. Collection method: clinical testing. Allele origin: germline.

Sema4
Classification: Likely benign for Hereditary cancer-predisposing syndrome. Last evaluated: 2021-12-28. Review status: criteria provided, single submitter. Criteria: Sema4 Curation Guidelines. Collection method: curation. Allele origin: germline.

Women's Health and Genetics/Laboratory Corporation of America, LabCorp
Classification: Likely benign. Last evaluated: 2020-07-22. Review status: criteria provided, single submitter. Criteria: LabCorp Variant Classification Summary - May 2015. Collection method: clinical testing. Allele origin: germline.

GeneDx
Classification: Likely benign. Last evaluated: 2019-12-01. Review status: criteria provided, single submitter. Criteria: GeneDx Variant Classification Process June 2021. Collection method: clinical testing. Allele origin: germline. Affected: yes.

Mendelics
Classification: Likely benign for Breast-ovarian cancer, familial, susceptibility to, 4. Last evaluated: 2019-05-28. Review status: criteria provided, single submitter. Criteria: Mendelics Assertion Criteria 2017. Collection method: clinical testing. Allele origin: unknown.

Color Diagnostics, LLC DBA Color Health
Classification: Likely benign for Hereditary cancer-predisposing syndrome. Last evaluated: 2016-05-29. Review status: criteria provided, single submitter. Criteria: ACMG Guidelines, 2015. Collection method: clinical testing. Allele origin: germline.

Ambry Genetics
Classification: Likely benign for Hereditary cancer-predisposing syndrome. Last evaluated: 2015-08-22. Review status: criteria provided, single submitter. Criteria: Ambry Variant Classification Scheme 2023. Collection method: clinical testing. Allele origin: germline.

Department of Pathology and Laboratory Medicine, Sinai Health System
Classification: Likely benign for Malignant tumor of breast. Review status: no assertion criteria provided. Collection method: clinical testing. Allele origin: unknown. Affected: yes. Observed: 1 variant allele. Study: The Canadian Open Genetics Repository (COGR). Not counted in ClinVar's aggregate classification.
Comment: The RAD51D p.Gln319= variant was not identified in the literature. The variant was identified in dbSNP (ID: rs147669627) as "With Likely benign allele", and in ClinVar (classified as likely benign by Ambry Genetics, Invitae, GeneDx and Color). The variant was identified in control databases in 3 of 246268 chromosomes at a frequency of 0.00001 (Genome Aggregation Database Feb 27, 2017). The variant was observed in the following populations: Latino in 3 of 33582 chromosomes (freq: 0.00009), while the variant was not observed in the African, Other, European, Ashkenazi Jewish, East Asian, Finnish, and South Asian populations. The p.Gln319= variant is not expected to have clinical significance because it does not result in a change of amino acid and is not located in a known consensus splice site. In addition, in silico or computational prediction software programs (SpliceSiteFinder, MaxEntScan, NNSPLICE, GeneSplicer) do not predict a difference in splicing. In summary, based on the above information the clinical significance of this variant cannot be determined with certainty at this time although we would lean towards a more benign role for this variant. This variant is classified as likely benign.

NM_002878.4(RAD51D):c.957G>A (p.Gln319=)

Genes: RAD51D (RAD51 paralog D; minus strand), RAD51L3-RFFL (RAD51L3-RFFL readthrough; minus strand). Cytogenetic location: 17q12.
Variant type: single nucleotide variant.
Coding change: c.957G>A on transcript NM_002878.4 (MANE Select); coding-DNA position 957, G replaced by A.
Protein change: p.Gln319=; no amino-acid change (glutamine 319 retained).
Molecular consequence: synonymous variant. On other transcripts: non-coding transcript variant (2).
Genome position (GRCh38, 1-based): chr17:35,100,983, C>T on the plus strand (G>A on the coding strand, the complement: RAD51D is on the minus strand). VCF-style: chr17-35100983-C-T. GRCh37 (hg19) VCF-style: chr17-33428002-C-T.
Other names: c.1017G>A, p.Gln339= (NM_001142571.2); c.621G>A, p.Gln207= (NM_133629.3).
Identifiers: ClinVar variation 184398 (VCV000184398.23), dbSNP rs147669627, ClinGen allele CA188840.
Genomic context (GRCh38, chr17:35,100,983, plus strand): 5'-GCTTCCCTGTTTCCCAAACAACAGCACAGGTCATGTCTGATCACCCTGTAATGTGGCACT[C>T]TGCTCTGAGGTCCCCCAGGTCCCAATGTCTACCATCTCCTGGAAACCTGTTGGCTGGAAG-3'
Protein context (NP_002869.3, residues 309-328): VDIGTWGTSE[Gln319=]SATLQGDQT